The following is an entry in ClinVar:

NM_001844.5(COL2A1):c.1680+8_1680+9delinsTA

Gene: COL2A1 (collagen type II alpha 1 chain; minus strand). Cytogenetic location: 12q13.11.
Variant type: Indel.
Coding change: c.1680+8_1680+9delinsTA on transcript NM_001844.5 (MANE Select); bases 8 to 9 of the intron after coding-DNA position 1680, GC replaced by TA.
Molecular consequence: intron variant.
Genome position (GRCh38, 1-based): chr12:47,985,719-47,985,720, GC replaced by TA on the plus strand (GC replaced by TA on the coding strand, the reverse complement: COL2A1 is on the minus strand). VCF-style: chr12-47985719-GC-TA. GRCh37 (hg19) VCF-style: chr12-48379502-GC-TA.
Other names: c.1473+8_1473+9delinsTA (NM_033150.3).
Identifiers: ClinVar variation 1108352 (VCV001108352.10), dbSNP rs2136567481, ClinGen allele CA2499221672.

ClinVar aggregate classification (germline): Benign/Likely benign. Review status: criteria provided, multiple submitters, no conflicts (2 of 4 stars). 2 submissions from 2 submitters: Benign (1); Likely benign (1). Last evaluated 2026-01-12.

Submissions (2):

Labcorp Genetics (formerly Invitae), Labcorp
Classification: Likely benign. Last evaluated: 2026-01-12. Review status: criteria provided, single submitter. Criteria: Invitae Variant Classification Sherloc (09022015). Collection method: clinical testing. Allele origin: germline.

Women's Health and Genetics/Laboratory Corporation of America, LabCorp
Classification: Benign. Last evaluated: 2024-05-30. Review status: criteria provided, single submitter. Criteria: LabCorp Variant Classification Summary - May 2015. Collection method: clinical testing. Allele origin: germline.
Comment: Variant summary: COL2A1 c.1680+8_1680+9delinsTA alters a non-conserved nucleotide located close to a canonical splice site and therefore could affect mRNA splicing, leading to a significantly altered protein sequence. Consensus agreement among computation tools predict no significant impact on normal splicing. However, these predictions have yet to be confirmed by functional studies. The variant allele was found at a frequency of 3.6e-05 in 1552702 control chromosomes. The observed variant frequency is approximately 3-fold of the estimated maximal expected allele frequency for a pathogenic variant in COL2A1 causing Achondrogenesis, Type II phenotype (1.3e-05). c.1680+8_1680+9delinsTA has been reported in the literature in unspecified individuals affected with short statue (Chen_2022). These report(s) do not provide unequivocal conclusions about association of the variant with Achondrogenesis, Type II. To our knowledge, no experimental evidence demonstrating an impact on protein function has been reported. The following publication has been ascertained in the context of this evaluation (PMID: 35250876). ClinVar contains an entry for this variant (Variation ID: 1108352). Based on the evidence outlined above, the variant was classified as benign.

Literature cited by the submitters: PubMed 35250876 (cited by Women's Health and Genetics/Laboratory Corporation of America, LabCorp).